The following is an entry in ClinVar:

ClinVar aggregate classification (germline): Pathogenic. Review status: criteria provided, multiple submitters, no conflicts (2 of 4 stars). 4 submissions from 4 submitters: Pathogenic (3). 1 of the submissions does not count toward it. Last evaluated 2023-09-08.

Conditions:
VPS13B-related disorder. Also called: VPS13B-related condition.
Cohen syndrome (COH1). Also called: PEPPER SYNDROME; Cutis verticis gyrata, retinitis pigmentosa, and sensorineural deafness. Identifiers: Orphanet 193, MedGen C0265223, MONDO:0008999, OMIM 216550.

Submissions (4):

Blueprint Genetics
Classification: Pathogenic for VPS13B-related disorders. Last evaluated: 2023-09-08. Review status: criteria provided, single submitter. Criteria: ACMG Guidelines, 2015. Collection method: clinical testing. Allele origin: germline. Affected: yes. Observed: 2 variant alleles.

Fulgent Genetics
Classification: Pathogenic for Cohen syndrome. Last evaluated: 2022-05-17. Review status: criteria provided, single submitter. Criteria: ACMG Guidelines, 2015. Collection method: clinical testing. Allele origin: unknown.

Labcorp Genetics (formerly Invitae), Labcorp
Classification: Pathogenic for Cohen syndrome. Last evaluated: 2018-10-29. Review status: criteria provided, single submitter. Criteria: Invitae Variant Classification Sherloc (09022015). Collection method: clinical testing. Allele origin: germline.
Comment: This variant is not present in population databases (ExAC no frequency). For these reasons, this variant has been classified as Pathogenic. Loss-of-function variants in VPS13B are known to be pathogenic (PMID: 15141358, 16648375, 20461111). This variant has been observed in individuals affected with Cohen syndrome (PMID: 17990063). ClinVar contains an entry for this variant (Variation ID: 56632). This sequence change creates a premature translational stop signal (p.Leu3709Serfs*61) in the VPS13B gene. It is expected to result in an absent or disrupted protein product.

Juha Muilu Group; Institute for Molecular Medicine Finland (FIMM)
Classification: Likely pathogenic for Cohen syndrome. Review status: no assertion criteria provided. Collection method: not provided. Allele origin: unknown. Not counted in ClinVar's aggregate classification.
Comment: FinDis database variant: This variant was not found or characterized by our laboratory, data were collected from public sources: see reference
ClinVar note: Converted during submission from probable-pathogenic to Likely pathogenic.

Literature cited by the submitters: PubMed 15141358 (cited by Labcorp Genetics (formerly Invitae), Labcorp); PubMed 16648375 (cited by Labcorp Genetics (formerly Invitae), Labcorp); PubMed 20461111 (cited by Labcorp Genetics (formerly Invitae), Labcorp); PubMed 17990063 (cited by Labcorp Genetics (formerly Invitae), Labcorp).

NM_152564.5(VPS13B):c.11050del (p.Leu3684fs)

Gene: VPS13B (vacuolar protein sorting 13 homolog B; plus strand). Cytogenetic location: 8q22.2.
Variant type: Deletion.
Coding change: c.11050del on transcript NM_152564.5 (MANE Select); coding-DNA position 11050, one base deleted (C; older notation c.11050delC).
Protein change: p.Leu3684fs; shifts the reading frame from leucine 3684.
Molecular consequence: frameshift variant.
Genome position (GRCh38, 1-based): chr8:99,861,781, C deleted; the last of 3 consecutive C bases (chr8:99,861,779-99,861,781); deleting any one gives the same sequence. VCF-style (leftmost placement, unchanged base first): chr8-99861778-AC-A. GRCh37 (hg19) VCF-style: chr8-100874006-AC-A.
Other names: c.11125delC (NM_017890.4); c.11125del, p.Leu3709fs (NM_017890.5); short protein forms L3709fs, L3684fs.
Identifiers: ClinVar variation 56632 (VCV000056632.10), dbSNP rs386834058, ClinGen allele CA264001.
Genomic context (GRCh38, chr8:99,861,778, plus strand): 5'-CCTTGGGGTCCATCATGTATGCGACAAGGAGGCTAACCCCATGCTCTTGTTCCCTCAGGT[AC>A]CCTCACATCCATCACCAACCTCGCCACAAGCCTGGCCCGGAACATGGACCGGCTCTCACT-3'